The following is an entry in ClinVar:

NM_003126.4(SPTA1):c.4224G>C (p.Glu1408Asp)

Gene: SPTA1 (spectrin alpha, erythrocytic 1; minus strand). Cytogenetic location: 1q23.1.
Variant type: single nucleotide variant.
Coding change: c.4224G>C on transcript NM_003126.4 (MANE Select); coding-DNA position 4224, G replaced by C.
Protein change: p.Glu1408Asp; replaces glutamic acid 1408 with aspartic acid.
Molecular consequence: missense variant.
Genome position (GRCh38, 1-based): chr1:158,644,367, C>G on the plus strand (G>C on the coding strand, the complement: SPTA1 is on the minus strand). VCF-style: chr1-158644367-C-G. GRCh37 (hg19) VCF-style: chr1-158614157-C-G.
Other names: short protein forms E1408D.
Identifiers: ClinVar variation 874463 (VCV000874463.6), dbSNP rs773758018, ClinGen allele CA1182787.
Genomic context (GRCh38, chr1:158,644,367, plus strand): 5'-ACTGTCTAAGGAACTTTTGTCATCTGACCTCAGGGAATTCTCACGTGCCACCATCCAGCT[C>G]TCAACTTGATCACAGTTCCCCTGGAACATCTATGAGGAATCAAATGAGAGGGGTATGGTA-3'
Protein context (NP_003117.2, residues 1398-1418): QMFQGNCDQV[Glu1408Asp]SWMVARENSL

ClinVar aggregate classification (germline): Uncertain significance. Review status: criteria provided, multiple submitters, no conflicts (2 of 4 stars). 5 submissions from 3 submitters: Uncertain significance (5). Last evaluated 2025-10-18.

Conditions:
Hereditary spherocytosis type 3. Also called: SPTA1-Related Spherocytosis; Spherocytosis type 3. Identifiers: Orphanet 822, MedGen C2678338, MONDO:0010053, OMIM 270970.
Elliptocytosis 2 (EL2). Also called: ELLIPTOCYTOSIS, RHESUS-UNLINKED TYPE. Identifiers: Orphanet 288, MedGen C1851741, MONDO:0007533, OMIM 130600.
Pyropoikilocytosis, hereditary. Also called: Pyropoikilocytosis. Identifiers: MedGen C0520739, MONDO:0009948, OMIM 266140, HP:0004839. Disease mechanism: loss of function.

Allele frequency attached by ClinVar (database versions not stated): ExAC 0.00003; 1000 Genomes Project 30x 0.00016.
gnomAD v4.1: 3 of 1,613,850 alleles (0.00019%); highest among the groups gnomAD compares: East Asian, 0.0045%; no homozygotes.

Submissions (5):

Ambry Genetics
Classification: Uncertain significance. Last evaluated: 2025-10-18. Review status: criteria provided, single submitter. Criteria: Ambry Variant Classification Scheme 2023. Collection method: clinical testing. Allele origin: germline.

ARUP Laboratories, Molecular Genetics and Genomics, ARUP Laboratories
Classification: Uncertain significance. Last evaluated: 2025-01-03. Review status: criteria provided, single submitter. Criteria: ARUP Molecular Germline Variant Investigation Process 2024. Collection method: clinical testing. Allele origin: germline.
Comment: The SPTA1 c.4224G>C; p.Glu1408Asp variant (rs773758018), to our knowledge, is not reported in the medical literature but is reported in ClinVar (Variation ID: 874463). This variant is only observed on three alleles in the Genome Aggregation Database (v2.1.1), indicating it is not a common polymorphism. Computational analyses are uncertain whether this variant is neutral or deleterious (REVEL: 0.257). Due to limited information, the clinical significance of this variant is uncertain at this time.

Illumina Laboratory Services, Illumina
Classification: Uncertain significance for Pyropoikilocytosis, hereditary. Last evaluated: 2018-01-13. Review status: criteria provided, single submitter. Criteria: ICSL Variant Classification Criteria 13 December 2019. Collection method: clinical testing. Allele origin: germline.

Illumina Laboratory Services, Illumina
Classification: Uncertain significance for Hereditary spherocytosis type 3. Last evaluated: 2018-01-13. Review status: criteria provided, single submitter. Criteria: ICSL Variant Classification Criteria 13 December 2019. Collection method: clinical testing. Allele origin: germline.

Illumina Laboratory Services, Illumina
Classification: Uncertain significance for Elliptocytosis 2. Last evaluated: 2018-01-13. Review status: criteria provided, single submitter. Criteria: ICSL Variant Classification Criteria 13 December 2019. Collection method: clinical testing. Allele origin: germline.